The following is an entry in ClinVar:

ClinVar aggregate classification (germline): Uncertain significance (1 of 4 stars; one submission).

Submission:

CeGaT Center for Human Genetics Tuebingen
Classification: Uncertain significance. Last evaluated: 2022-06-01. Review status: criteria provided, single submitter. Criteria: CeGaT Center For Human Genetics Tuebingen Variant Classification Criteria Version 2. Collection method: clinical testing. Allele origin: germline. Affected: yes. Observed: 1 variant allele.
Comment: TULP2: PM2, BP4

NM_003323.3(TULP2):c.194G>A (p.Arg65His)

Gene: TULP2 (TUB like protein 2; minus strand). Cytogenetic location: 19q13.33.
Variant type: single nucleotide variant.
Coding change: c.194G>A on transcript NM_003323.3 (MANE Select); coding-DNA position 194, G replaced by A.
Protein change: p.Arg65His; replaces arginine 65 with histidine.
Molecular consequence: missense variant.
Genome position (GRCh38, 1-based): chr19:48,896,447, C>T on the plus strand (G>A on the coding strand, the complement: TULP2 is on the minus strand). VCF-style: chr19-48896447-C-T. GRCh37 (hg19) VCF-style: chr19-49399704-C-T.
Other names: short protein forms R65H.
Identifiers: ClinVar variation 2650223 (VCV002650223.24), dbSNP rs1296087851, ClinGen allele CA406757426.